The following is an entry in ClinVar:

ClinVar aggregate classification (germline): Conflicting classifications of pathogenicity. Review status: criteria provided, conflicting classifications (1 of 4 stars). 3 submissions from 3 submitters: Uncertain significance (2); Likely benign (1). Last evaluated 2024-03-06.

Conditions:
Hereditary cancer-predisposing syndrome. Also called: Neoplastic Syndromes, Hereditary; Hereditary Cancer Syndrome; Hereditary neoplastic syndrome; Tumor predisposition. Identifiers: Orphanet 140162, MedGen C0027672, MeSH D009386, MONDO:0015356.
Familial cancer of breast. Also called: BREAST CANCER, FAMILIAL; hereditary breast carcinoma; Hereditary breast cancer. Identifiers: Orphanet 227535, MedGen C0346153, MONDO:0016419, OMIM 114480. Disease mechanism: loss of function.

gnomAD v4.1: 1 of 1,613,754 alleles (0.000062%); no homozygotes.

Submissions (3):

Ambry Genetics
Classification: Likely benign for Hereditary cancer-predisposing syndrome. Last evaluated: 2024-03-06. Review status: criteria provided, single submitter. Criteria: Ambry Variant Classification Scheme 2023. Collection method: clinical testing. Allele origin: germline.

Labcorp Genetics (formerly Invitae), Labcorp
Classification: Uncertain significance for Familial cancer of breast. Last evaluated: 2022-09-19. Review status: criteria provided, single submitter. Criteria: Invitae Variant Classification Sherloc (09022015). Collection method: clinical testing. Allele origin: germline.
Comment: In summary, the available evidence is currently insufficient to determine the role of this variant in disease. Therefore, it has been classified as a Variant of Uncertain Significance. Algorithms developed to predict the effect of missense changes on protein structure and function output the following: SIFT: "Tolerated"; PolyPhen-2: "Benign"; Align-GVGD: "Class C0". The leucine amino acid residue is found in multiple mammalian species, which suggests that this missense change does not adversely affect protein function. ClinVar contains an entry for this variant (Variation ID: 479167). This variant has not been reported in the literature in individuals affected with BARD1-related conditions. This variant is not present in population databases (gnomAD no frequency). This sequence change replaces proline, which is neutral and non-polar, with leucine, which is neutral and non-polar, at codon 358 of the BARD1 protein (p.Pro358Leu).

GeneDx
Classification: Uncertain significance. Last evaluated: 2019-12-03. Review status: criteria provided, single submitter. Criteria: GeneDx Variant Classification Process June 2021. Collection method: clinical testing. Allele origin: germline. Affected: yes.
Comment: Not observed in large population cohorts (Lek 2016); In silico analysis, which includes protein predictors and evolutionary conservation, supports that this variant does not alter protein structure/function; Has not been previously published as pathogenic or benign to our knowledge

NM_000465.4(BARD1):c.1073C>T (p.Pro358Leu)

Gene: BARD1 (BRCA1 associated RING domain 1; minus strand). Cytogenetic location: 2q35.
Variant type: single nucleotide variant.
Coding change: c.1073C>T on transcript NM_000465.4 (MANE Select); coding-DNA position 1073, C replaced by T.
Protein change: p.Pro358Leu; replaces proline 358 with leucine.
Molecular consequence: missense variant. On other transcripts: non-coding transcript variant (2), intron variant (3).
Genome position (GRCh38, 1-based): chr2:214,780,801, G>A on the plus strand (C>T on the coding strand, the complement: BARD1 is on the minus strand). VCF-style: chr2-214780801-G-A. GRCh37 (hg19) VCF-style: chr2-215645525-G-A.
Other names: c.1016C>T, p.Pro339Leu (NM_001282543.2); c.159-28246C>T (NM_001282548.2); c.215+16260C>T (NM_001282545.2); c.364+11496C>T (NM_001282549.2); short protein forms P358L, P339L.
Identifiers: ClinVar variation 479167 (VCV000479167.13), dbSNP rs1553622261, ClinGen allele CA350454111.